The following is an entry in ClinVar:

NM_002386.4(MC1R):c.52C>G (p.Pro18Ala)

Gene: MC1R (melanocortin 1 receptor; plus strand). Cytogenetic location: 16q24.3.
Variant type: single nucleotide variant.
Coding change: c.52C>G on transcript NM_002386.4 (MANE Select); coding-DNA position 52, C replaced by G.
Protein change: p.Pro18Ala; replaces proline 18 with alanine.
Molecular consequence: missense variant.
Genome position (GRCh38, 1-based): chr16:89,919,310, C>G. VCF-style: chr16-89919310-C-G. GRCh37 (hg19) VCF-style: chr16-89985718-C-G.
Other names: short protein forms P18A.
Identifiers: ClinVar variation 884726 (VCV000884726.12), dbSNP rs776654211, ClinGen allele CA8255470.
Genomic context (GRCh38, chr16:89,919,310, plus strand): 5'-GACAGGACTATGGCTGTGCAGGGATCCCAGAGAAGACTTCTGGGCTCCCTCAACTCCACC[C>G]CCACAGCCATCCCCCAGCTGGGGCTGGCTGCCAACCAGACAGGAGCCCGGTGCCTGGAGG-3'
Protein context (NP_002377.4, residues 8-28): RRLLGSLNST[Pro18Ala]TAIPQLGLAA

ClinVar aggregate classification (germline): Uncertain significance. Review status: criteria provided, multiple submitters, no conflicts (2 of 4 stars). 2 submissions from 2 submitters: Uncertain significance (2). Last evaluated 2025-11-21.

Conditions:
Melanoma, cutaneous malignant, susceptibility to, 5. Also called: Cutaneous malignant melanoma 5. Identifiers: Orphanet 618, MedGen C2751295, MONDO:0013133, OMIM 613099.

Allele frequency attached by ClinVar (database versions not stated): TOPMed 0.00001; gnomAD exomes 0.00002; ExAC 0.00003.

Submissions (2):

Labcorp Genetics (formerly Invitae), Labcorp
Classification: Uncertain significance for Melanoma, cutaneous malignant, susceptibility to, 5. Last evaluated: 2025-11-21. Review status: criteria provided, single submitter. Criteria: Invitae Variant Classification Sherloc (09022015). Collection method: clinical testing. Allele origin: germline.
Comment: This sequence change replaces proline, which is neutral and non-polar, with alanine, which is neutral and non-polar, at codon 18 of the MC1R protein (p.Pro18Ala). This variant is present in population databases (rs776654211, gnomAD 0.004%). This missense change has been observed in individual(s) with skin cancer (PMID: 11254446). ClinVar contains an entry for this variant (Variation ID: 884726). An algorithm developed to predict the effect of missense changes on protein structure and function (PolyPhen-2) suggests that this variant is likely to be tolerated. In summary, the available evidence is currently insufficient to determine the role of this variant in disease. Therefore, it has been classified as a Variant of Uncertain Significance.

Illumina Laboratory Services, Illumina
Classification: Uncertain significance for Melanoma, cutaneous malignant, susceptibility to, 5. Last evaluated: 2017-10-04. Review status: criteria provided, single submitter. Criteria: ICSL Variant Classification Criteria 13 December 2019. Collection method: clinical testing. Allele origin: germline.
Comment: This variant was observed as part of a predisposition screen in an ostensibly healthy population. A literature search was performed for the gene, cDNA change, and amino acid change (where applicable). Publications were found based on this search. However, the evidence from the literature, in combination with allele frequency data from public databases where available, was not sufficient to rule this variant in or out of causing disease. Therefore, this variant is classified as a variant of unknown significance.

Literature cited by the submitters: PubMed 11254446 (cited by Labcorp Genetics (formerly Invitae), Labcorp and Illumina Laboratory Services, Illumina); PubMed 11511307 (cited by Illumina Laboratory Services, Illumina); PubMed 18402696 (cited by Illumina Laboratory Services, Illumina).